The following is an entry in ClinVar:

NM_005655.4(KLF10):c.656A>T (p.Asp219Val)

Gene: KLF10 (KLF transcription factor 10; minus strand). Cytogenetic location: 8q22.3.
Variant type: single nucleotide variant.
Coding change: c.656A>T on transcript NM_005655.4 (MANE Select); coding-DNA position 656, A replaced by T.
Protein change: p.Asp219Val; replaces aspartic acid 219 with valine.
Molecular consequence: missense variant.
Genome position (GRCh38, 1-based): chr8:102,651,676, T>A on the plus strand (A>T on the coding strand, the complement: KLF10 is on the minus strand). VCF-style: chr8-102651676-T-A. GRCh37 (hg19) VCF-style: chr8-103663904-T-A.
Other names: c.623A>T, p.Asp208Val (NM_001032282.4); c.656A>T (NM_005655.2); short protein forms D219V, D208V.
Identifiers: ClinVar variation 2043277 (VCV002043277.5), dbSNP rs548079858, ClinGen allele CA4833560.

ClinVar aggregate classification (germline): Uncertain significance. Review status: criteria provided, multiple submitters, no conflicts (2 of 4 stars). 2 submissions from 2 submitters: Uncertain significance (2). Last evaluated 2025-10-06.

Allele frequency attached by ClinVar (database versions not stated): TOPMed 0.00004; gnomAD 0.00009; gnomAD exomes 0.00009; ExAC 0.00003.
gnomAD v4.1: 143 of 1,614,130 alleles (0.0089%); highest among the groups gnomAD compares: Non-Finnish European, 0.012%; no homozygotes.

Submissions (2):

Labcorp Genetics (formerly Invitae), Labcorp
Classification: Uncertain significance. Last evaluated: 2025-10-06. Review status: criteria provided, single submitter. Criteria: Invitae Variant Classification Sherloc (09022015). Collection method: clinical testing. Allele origin: germline.
Comment: This sequence change replaces aspartic acid, which is acidic and polar, with valine, which is neutral and non-polar, at codon 219 of the KLF10 protein (p.Asp219Val). This variant is present in population databases (rs548079858, gnomAD 0.009%). This variant has not been reported in the literature in individuals affected with KLF10-related conditions. ClinVar contains an entry for this variant (Variation ID: 2043277). An algorithm developed to predict the effect of missense changes on protein structure and function outputs the following: PolyPhen-2: "Benign". The valine amino acid residue is found in multiple mammalian species, which suggests that this missense change does not adversely affect protein function. In summary, the available evidence is currently insufficient to determine the role of this variant in disease. Therefore, it has been classified as a Variant of Uncertain Significance.

Ambry Genetics
Classification: Uncertain significance. Last evaluated: 2023-12-27. Review status: criteria provided, single submitter. Criteria: Ambry Variant Classification Scheme 2023. Collection method: clinical testing. Allele origin: germline.